The following is an entry in ClinVar:

ClinVar aggregate classification (germline): Pathogenic/Likely pathogenic. Review status: no assertion criteria provided (0 of 4 stars). 2 submissions from 2 submitters: Pathogenic (1); Likely pathogenic (1). Last evaluated 2023-11-16.

Conditions:
F8-related disorder. Also called: F8-related condition.
Hereditary factor VIII deficiency disease (HEMA). Also called: HEMOPHILIA, CLASSIC; Hemophilia A; Hemophilia A, congenital; HEM A; Factor 8 deficiency, congenital; AUTOSOMAL HEMOPHILIA A. Identifiers: Orphanet 98878, MedGen C0019069, MONDO:0010602, OMIM 306700.

Submissions (2):

PreventionGenetics, part of Exact Sciences
Classification: Likely pathogenic for F8-related condition. Last evaluated: 2023-11-16. Review status: no assertion criteria provided. Collection method: clinical testing. Allele origin: germline.
Comment: The F8 c.787+3A>G variant is predicted to interfere with splicing. This variant has been reported in individuals with Hemophilia A (Tuddenham et al. 1994. PubMed ID: 7984443; Bidichandani et al. 1994. PubMed ID: 8069313). This variant has not been reported in a large population database, indicating this variant is rare. This variant is interpreted as likely pathogenic.

OMIM
Classification: Pathogenic for HEMOPHILIA A. Last evaluated: 1994-04-01. Review status: no assertion criteria provided. Collection method: literature only. Allele origin: germline.

Literature cited by the submitters: PubMed 8069313 (cited by OMIM).

NM_000132.4(F8):c.787+3A>G

Gene: F8 (coagulation factor VIII; minus strand). Cytogenetic location: Xq28.
Variant type: single nucleotide variant.
Coding change: c.787+3A>G on transcript NM_000132.4 (MANE Select); 3 bases into the intron after coding-DNA position 787, A replaced by G.
Molecular consequence: intron variant.
Genome position (GRCh38, 1-based): chrX:154,984,684, T>C on the plus strand (A>G on the coding strand, the complement: F8 is on the minus strand). VCF-style: chrX-154984684-T-C. GRCh37 (hg19) VCF-style: chrX-154212959-T-C.
Other names: F8, IVS6DS, A-G, +3; F8, IVS6DS, A-G, +3, 186-BP DEL, EX5-6 DEL; IVS6DS, A-G, +3; c.787+3A>G (NM_000132.3).
Identifiers: ClinVar variation 10183 (VCV000010183.5), dbSNP rs2073548872, ClinGen allele CA2573055194.